The following is an entry in ClinVar:

NM_012309.5(SHANK2):c.789C>G (p.Tyr263Ter)

Gene: SHANK2 (SH3 and multiple ankyrin repeat domains 2; minus strand). Cytogenetic location: 11q13.4.
Variant type: single nucleotide variant.
Coding change: c.789C>G on transcript NM_012309.5 (MANE Select); coding-DNA position 789, C replaced by G.
Protein change: p.Tyr263Ter; replaces tyrosine 263 with a stop codon.
Molecular consequence: nonsense.
Genome position (GRCh38, 1-based): chr11:71,092,545, G>C on the plus strand (C>G on the coding strand, the complement: SHANK2 is on the minus strand). VCF-style: chr11-71092545-G-C. GRCh37 (hg19) VCF-style: chr11-70803591-G-C.
Other names: c.789C>G, p.Tyr263Ter (NM_001441024.1, NM_001441025.1, NM_001441026.1 and 12 more transcripts); c.717C>G, p.Tyr239Ter (NM_001441038.1); short protein forms Y239*, Y263*.
Identifiers: ClinVar variation 4823729 (VCV004823729.4).
Genomic context (GRCh38, chr11:71,092,545, plus strand): 5'-AAGCTCGCAGCAGTAGGGATCACCTCCGACGATGGCTGTGTGATACAGCGGGGTGAGGCC[G>C]TAACTGTCTTTATAATCTGGGGATGCACCAAGCTCTAAAAGGGTCTAGGAAAAAAAAATT-3'

ClinVar aggregate classification (germline): Uncertain significance (1 of 4 stars; one submission).

gnomAD v4.1: 1 of 1,551,936 alleles (0.000064%); highest among the groups gnomAD compares: Non-Finnish European, 0.000087%; no homozygotes.

Submission:

CeGaT Center for Human Genetics Tuebingen
Classification: Uncertain significance. Last evaluated: 2026-03-01. Review status: criteria provided, single submitter. Criteria: CeGaT Center For Human Genetics Tuebingen Variant Classification Criteria Version 2. Collection method: clinical testing. Allele origin: germline. Affected: yes. Observed: 1 variant allele.
Comment: SHANK2: PM2